The following is an entry in ClinVar:

NM_002473.6(MYH9):c.1570A>G (p.Ile524Val)

Gene: MYH9 (myosin heavy chain 9; minus strand). Cytogenetic location: 22q12.3.
Variant type: single nucleotide variant.
Coding change: c.1570A>G on transcript NM_002473.6 (MANE Select); coding-DNA position 1570, A replaced by G.
Protein change: p.Ile524Val; replaces isoleucine 524 with valine.
Molecular consequence: missense variant.
Genome position (GRCh38, 1-based): chr22:36,312,207, T>C on the plus strand (A>G on the coding strand, the complement: MYH9 is on the minus strand). VCF-style: chr22-36312207-T-C. GRCh37 (hg19) VCF-style: chr22-36708252-T-C.
Other names: short protein forms I524V.
Identifiers: ClinVar variation 3673824 (VCV003673824.3).

ClinVar aggregate classification (germline): Uncertain significance. Review status: criteria provided, multiple submitters, no conflicts (2 of 4 stars). 2 submissions from 2 submitters: Uncertain significance (2). Last evaluated 2024-03-09.

gnomAD v4.1: 5 of 1,613,968 alleles (0.00031%); highest among the groups gnomAD compares: Non-Finnish European, 0.00042%; no homozygotes.

Submissions (2):

Labcorp Genetics (formerly Invitae), Labcorp
Classification: Uncertain significance. Last evaluated: 2024-03-09. Review status: criteria provided, single submitter. Criteria: Invitae Variant Classification Sherloc (09022015). Collection method: clinical testing. Allele origin: germline.
Comment: This sequence change replaces isoleucine, which is neutral and non-polar, with valine, which is neutral and non-polar, at codon 524 of the MYH9 protein (p.Ile524Val). This variant is not present in population databases (gnomAD no frequency). This variant has not been reported in the literature in individuals affected with MYH9-related conditions. Advanced modeling of protein sequence and biophysical properties (such as structural, functional, and spatial information, amino acid conservation, physicochemical variation, residue mobility, and thermodynamic stability) performed at Invitae indicates that this missense variant is not expected to disrupt MYH9 protein function with a negative predictive value of 95%. In summary, the available evidence is currently insufficient to determine the role of this variant in disease. Therefore, it has been classified as a Variant of Uncertain Significance.

Blueprint Genetics
Classification: Uncertain significance. Last evaluated: 2022-07-18. Review status: criteria provided, single submitter. Criteria: ACMG Guidelines, 2015. Collection method: clinical testing. Allele origin: germline.